The following is an entry in ClinVar:

NM_001040142.2(SCN2A):c.1672-7T>C

Gene: SCN2A (sodium voltage-gated channel alpha subunit 2; plus strand). Cytogenetic location: 2q24.3.
Variant type: single nucleotide variant.
Coding change: c.1672-7T>C on transcript NM_001040142.2 (MANE Select); 7 bases into the intron before coding-DNA position 1672, T replaced by C.
Molecular consequence: intron variant.
Genome position (GRCh38, 1-based): chr2:165,323,149, T>C. VCF-style: chr2-165323149-T-C. GRCh37 (hg19) VCF-style: chr2-166179659-T-C.
Other names: c.1672-7T>C (NM_001040143.2, NM_001371246.1, NM_001371247.1 and 1 more transcripts).
Identifiers: ClinVar variation 516949 (VCV000516949.10), dbSNP rs1553571855, ClinGen allele CA658795946.

ClinVar aggregate classification (germline): Likely benign. Review status: criteria provided, multiple submitters, no conflicts (2 of 4 stars). 3 submissions from 3 submitters: Likely benign (3). Last evaluated 2025-08-06.

Conditions:
Seizures, benign familial infantile, 3 (BFIS3). Also called: CONVULSIONS, BENIGN FAMILIAL INFANTILE, 3; Familial neonatal seizures. Identifiers: Orphanet 140927, Orphanet 306, MedGen C1843140, MONDO:0011904, OMIM 607745.
Developmental and epileptic encephalopathy, 11 (DEE11). Also called: Early infantile epileptic encephalopathy 11. Identifiers: Orphanet 1934, MedGen C3150987, MONDO:0013388, OMIM 613721.

Submissions (3):

Labcorp Genetics (formerly Invitae), Labcorp
Classification: Likely benign for Seizures, benign familial infantile, 3; Developmental and epileptic encephalopathy, 11. Last evaluated: 2025-08-06. Review status: criteria provided, single submitter. Criteria: Invitae Variant Classification Sherloc (09022015). Collection method: clinical testing. Allele origin: germline.

Women's Health and Genetics/Laboratory Corporation of America, LabCorp
Classification: Likely benign. Last evaluated: 2025-04-30. Review status: criteria provided, single submitter. Criteria: LabCorp Variant Classification Summary - May 2015. Collection method: clinical testing. Allele origin: germline.

GeneDx
Classification: Likely benign. Last evaluated: 2018-03-12. Review status: criteria provided, single submitter. Criteria: GeneDx Variant Classification (06012015). Collection method: clinical testing. Allele origin: germline. Affected: yes.
Comment: This variant is considered likely benign or benign based on one or more of the following criteria: it is a conservative change, it occurs at a poorly conserved position in the protein, it is predicted to be benign by multiple in silico algorithms, and/or has population frequency not consistent with disease.